The following is an entry in ClinVar:

ClinVar aggregate classification (germline): Uncertain significance (1 of 4 stars; one submission).

gnomAD v4.1: 2 of 1,296,686 alleles (0.00015%); highest among the groups gnomAD compares: East Asian, 0.0038%; no homozygotes.

Submission:

GeneDx
Classification: Uncertain significance. Last evaluated: 2025-08-26. Review status: criteria provided, single submitter. Criteria: GeneDx Variant Classification Process June 2021. Collection method: clinical testing. Allele origin: germline. Affected: yes.
Comment: Not observed at significant frequency in large population cohorts (gnomAD); In silico analysis suggests that this missense variant does not alter protein structure/function; Has not been previously published as pathogenic or benign to our knowledge; Reported using an alternate transcript of the gene; This variant is associated with the following publications: (PMID: 23180095)

NM_001330078.2(NRXN1):c.3365-109949G>C

Gene: NRXN1 (neurexin 1; minus strand). Cytogenetic location: 2p16.3.
Variant type: single nucleotide variant.
Coding change: c.3365-109949G>C on transcript NM_001330078.2 (MANE Select); 109949 bases into the intron before coding-DNA position 3365, G replaced by C.
Molecular consequence: intron variant. On other transcripts: missense variant (4).
Genome position (GRCh38, 1-based): chr2:50,346,919, C>G on the plus strand (G>C on the coding strand, the complement: NRXN1 is on the minus strand). VCF-style: chr2-50346919-C-G. GRCh37 (hg19) VCF-style: chr2-50574057-C-G.
Other names: c.31G>C, p.Glu11Gln (NM_001330091.2, NM_001330092.2, NM_001330097.2 and 1 more transcripts); c.3254-109949G>C (NM_001330096.2, NM_001330087.2); c.3299-109949G>C (NM_001330083.2, NM_001330084.2); c.3284-109949G>C (NM_001330088.2); c.3362-109949G>C (NM_001330093.2); c.3353-109949G>C (NM_001330094.2); c.3314-109949G>C (NM_001330095.2); c.3341-109949G>C (NM_001330082.2, NM_001330077.2); and 3 more; short protein forms E11Q.
Identifiers: ClinVar variation 4812896 (VCV004812896.1).